The following is an entry in ClinVar:

ClinVar aggregate classification (germline): Uncertain significance (1 of 4 stars; one submission).

gnomAD v4.1: 1 of 1,612,876 alleles (0.000062%); highest among the groups gnomAD compares: Non-Finnish European, 0.000085%; no homozygotes.

Submission:

Dasa
Classification: Uncertain significance. Last evaluated: 2025-05-12. Review status: criteria provided, single submitter. Criteria: DASA Assertion Criteria. Collection method: clinical testing. Allele origin: germline.
Comment: NM_001382241.1(TNPO2):c.1668+6A>G is a splice-region variant. This variant is rare in population databases. Computational prediction algorithms are consistent with a benign effect. The currently available literature and clinical evidence are not sufficient to establish a definitive association between this variant and the reported condition. Therefore, this variant is classified as a variant of uncertain significance.

NM_001382241.1(TNPO2):c.1668+6A>G

Gene: TNPO2 (transportin 2; minus strand). Cytogenetic location: 19p13.13.
Variant type: single nucleotide variant.
Coding change: c.1668+6A>G on transcript NM_001382241.1 (MANE Select); 6 bases into the intron after coding-DNA position 1668, A replaced by G.
Molecular consequence: intron variant.
Genome position (GRCh38, 1-based): chr19:12,706,190, T>C on the plus strand (A>G on the coding strand, the complement: TNPO2 is on the minus strand). VCF-style: chr19-12706190-T-C. GRCh37 (hg19) VCF-style: chr19-12817004-T-C.
Other names: c.1668+6A>G (NM_001382237.1, NM_001382240.1, NM_001382238.1 and 7 more transcripts).
Identifiers: ClinVar variation 4886093 (VCV004886093.2).